The following is an entry in ClinVar:

ClinVar aggregate classification (germline): Pathogenic (1 of 4 stars; one submission).

Conditions:
Duchenne muscular dystrophy (DMD). Also called: Duchenne Muscular Dystrophy (DMD); MUSCULAR DYSTROPHY, PSEUDOHYPERTROPHIC PROGRESSIVE, DUCHENNE TYPE. Identifiers: Orphanet 98896, MedGen C0013264, MONDO:0010679, OMIM 310200.

Submission:

Labcorp Genetics (formerly Invitae), Labcorp
Classification: Pathogenic for Duchenne muscular dystrophy. Last evaluated: 2023-10-03. Review status: criteria provided, single submitter. Criteria: Invitae Variant Classification Sherloc (09022015). Collection method: clinical testing. Allele origin: germline.
Comment: This variant is a gross deletion of the genomic region encompassing exon(s) 51-54 of the DMD gene. This deletion is out-of-frame, and is expected to create a premature termination codon and result in an absent or disrupted protein product. Loss-of-function variants in DMD are known to be pathogenic (PMID: 16770791, 25007885). A similar copy number variant has been observed in individual(s) with Duchenne muscular dystrophy (PMID: 15841391). For these reasons, this variant has been classified as Pathogenic.

Literature cited by the submitters: PubMed 16770791; PubMed 25007885; PubMed 15841391.

NC_000023.11:g.(?_31657970)_(31774212_?)del

Gene: DMD (dystrophin; minus strand). Cytogenetic location: Xp21.1.
Variant type: Deletion.
Identifiers: ClinVar variation 526141 (VCV000526141.7).